The following is an entry in ClinVar:

ClinVar aggregate classification (germline): Likely pathogenic (1 of 4 stars; one submission).

Conditions:
Autosomal recessive nonsyndromic hearing loss 89. Also called: Deafness, autosomal recessive 89. Identifiers: Orphanet 90636, MedGen C3151351, MONDO:0013489, OMIM 613916.
Leukoencephalopathy, progressive, infantile-onset, with or without deafness. Identifiers: MedGen C5542996, MONDO:0030893, OMIM 619147.
Deafness, congenital, and adult-onset progressive leukoencephalopathy. Identifiers: MedGen C5543087, MONDO:0030967, OMIM 619196.
Charcot-Marie-Tooth disease recessive intermediate B. Also called: CHARCOT-MARIE-TOOTH NEUROPATHY, RECESSIVE INTERMEDIATE B. Identifiers: Orphanet 254334, MedGen C3150897, MONDO:0013338, OMIM 613641.

gnomAD v4.1: 1 of 1,614,136 alleles (0.000062%); highest among the groups gnomAD compares: African/African-American, 0.0013%; no homozygotes.

Submission:

First Genomix Gene Laboratory, Genetic Diagnostics Department
Classification: Likely pathogenic for Charcot-Marie-Tooth disease recessive intermediate B; Autosomal recessive nonsyndromic hearing loss 89; Deafness, congenital, and adult-onset progressive leukoencephalopathy; Leukoencephalopathy, progressive, infantile-onset, with or without deafness. Last evaluated: 2025-07-18. Review status: criteria provided, single submitter. Criteria: ACMG Guidelines, 2015. Collection method: clinical testing. Allele origin: germline. Inheritance: Autosomal recessive inheritance. Affected: no. Observed: 1 variant allele.

NM_005548.3(KARS1):c.1119C>G (p.Tyr373Ter)

Gene: KARS1 (lysyl-tRNA synthetase 1; minus strand). Cytogenetic location: 16q23.1.
Variant type: single nucleotide variant.
Coding change: c.1119C>G on transcript NM_005548.3 (MANE Select); coding-DNA position 1119, C replaced by G.
Protein change: p.Tyr373Ter; replaces tyrosine 373 with a stop codon.
Molecular consequence: nonsense.
Genome position (GRCh38, 1-based): chr16:75,631,549, G>C on the plus strand (C>G on the coding strand, the complement: KARS1 is on the minus strand). VCF-style: chr16-75631549-G-C. GRCh37 (hg19) VCF-style: chr16-75665447-G-C.
Other names: c.1203C>G, p.Tyr401Ter (NM_001130089.2); c.651C>G, p.Tyr217Ter (NM_001378148.1); short protein forms Y217*, Y373*, Y401*.
Identifiers: ClinVar variation 4849358 (VCV004849358.1).